The following is an entry in ClinVar:

ClinVar aggregate classification (germline): Uncertain significance (1 of 4 stars; one submission).

Conditions:
Peutz-Jeghers syndrome (PJS). Also called: Peutz-Jeghers polyposis; Periorificial lentiginosis syndrome; POLYPOSIS, HAMARTOMATOUS INTESTINAL; POLYPS-AND-SPOTS SYNDROME. Identifiers: Orphanet 2869, MedGen C0031269, MeSH D010580, MONDO:0008280, OMIM 175200.

Submission:

Labcorp Genetics (formerly Invitae), Labcorp
Classification: Uncertain significance for Peutz-Jeghers syndrome. Last evaluated: 2023-08-30. Review status: criteria provided, single submitter. Criteria: Invitae Variant Classification Sherloc (09022015). Collection method: clinical testing. Allele origin: germline.
Comment: This sequence change replaces lysine, which is basic and polar, with asparagine, which is neutral and polar, at codon 44 of the STK11 protein (p.Lys44Asn). In summary, the available evidence is currently insufficient to determine the role of this variant in disease. Therefore, it has been classified as a Variant of Uncertain Significance. Advanced modeling of protein sequence and biophysical properties (such as structural, functional, and spatial information, amino acid conservation, physicochemical variation, residue mobility, and thermodynamic stability) performed at Invitae indicates that this missense variant is expected to disrupt STK11 protein function. This variant has not been reported in the literature in individuals affected with STK11-related conditions. This variant is not present in population databases (gnomAD no frequency).

NM_000455.5(STK11):c.132G>C (p.Lys44Asn)

Gene: STK11 (serine/threonine kinase 11; plus strand). Cytogenetic location: 19p13.3.
Variant type: single nucleotide variant.
Coding change: c.132G>C on transcript NM_000455.5 (MANE Select); coding-DNA position 132, G replaced by C.
Protein change: p.Lys44Asn; replaces lysine 44 with asparagine.
Molecular consequence: missense variant. On other transcripts: non-coding transcript variant (1).
Genome position (GRCh38, 1-based): chr19:1,207,045, G>C. VCF-style: chr19-1207045-G-C. GRCh37 (hg19) VCF-style: chr19-1207044-G-C.
Other names: c.132G>C, p.Lys44Asn (NM_001407255.1); short protein forms K44N.
Identifiers: ClinVar variation 2751185 (VCV002751185.3), dbSNP rs2145405059, ClinGen allele CA402944006.
Genomic context (GRCh38, chr19:1,207,045, plus strand): 5'-GTTCATCCACCGCATCGACTCCACCGAGGTCATCTACCAGCCGCGCCGCAAGCGGGCCAA[G>C]CTCATCGGCAAGTACCTGATGGGGGACCTGCTGGGGGAAGGCTCTTACGGCAAGGTGAAG-3'
Protein context (NP_000446.1, residues 34-54): VIYQPRRKRA[Lys44Asn]LIGKYLMGDL